The following is an entry in ClinVar:

NM_139281.3(WDR36):c.1331T>C (p.Val444Ala)

Gene: WDR36 (WD repeat domain 36; plus strand). Cytogenetic location: 5q22.1.
Variant type: single nucleotide variant.
Coding change: c.1331T>C on transcript NM_139281.3 (MANE Select); coding-DNA position 1331, T replaced by C.
Protein change: p.Val444Ala; replaces valine 444 with alanine.
Molecular consequence: missense variant.
Genome position (GRCh38, 1-based): chr5:111,110,193, T>C. VCF-style: chr5-111110193-T-C. GRCh37 (hg19) VCF-style: chr5-110445892-T-C.
Other names: short protein forms V444A.
Identifiers: ClinVar variation 4771913 (VCV004771913.1).

ClinVar aggregate classification (germline): Uncertain significance (1 of 4 stars; one submission).

gnomAD v4.1: 2 of 1,609,052 alleles (0.00012%); highest among the groups gnomAD compares: African/African-American, 0.0027%; no homozygotes.

Submission:

Labcorp Genetics (formerly Invitae), Labcorp
Classification: Uncertain significance. Last evaluated: 2025-06-13. Review status: criteria provided, single submitter. Criteria: Invitae Variant Classification Sherloc (09022015). Collection method: clinical testing. Allele origin: germline.
Comment: This sequence change replaces valine, which is neutral and non-polar, with alanine, which is neutral and non-polar, at codon 500 of the WDR36 protein (p.Val500Ala). This variant is present in population databases (rs149541471, gnomAD 0.007%). This variant has not been reported in the literature in individuals affected with WDR36-related conditions. Invitae Evidence Modeling of protein sequence and biophysical properties (such as structural, functional, and spatial information, amino acid conservation, physicochemical variation, residue mobility, and thermodynamic stability) indicates that this missense variant is not expected to disrupt WDR36 protein function with a negative predictive value of 80%. In summary, the available evidence is currently insufficient to determine the role of this variant in disease. Therefore, it has been classified as a Variant of Uncertain Significance.